The following is an entry in ClinVar:

NM_001942.4(DSG1):c.1057A>C (p.Asn353His)

Gene: DSG1 (desmoglein 1; plus strand). Cytogenetic location: 18q12.1.
Variant type: single nucleotide variant.
Coding change: c.1057A>C on transcript NM_001942.4 (MANE Select); coding-DNA position 1057, A replaced by C.
Protein change: p.Asn353His; replaces asparagine 353 with histidine.
Molecular consequence: missense variant.
Genome position (GRCh38, 1-based): chr18:31,336,405, A>C. VCF-style: chr18-31336405-A-C. GRCh37 (hg19) VCF-style: chr18-28916368-A-C.
Other names: short protein forms N353H.
Identifiers: ClinVar variation 1804285 (VCV001804285.3), dbSNP rs2510834324, ClinGen allele CA402133143.

ClinVar aggregate classification (germline): Uncertain significance. Review status: criteria provided, multiple submitters, no conflicts (2 of 4 stars). 2 submissions from 2 submitters: Uncertain significance (2). Last evaluated 2024-05-23.

Submissions (2):

Labcorp Genetics (formerly Invitae), Labcorp
Classification: Uncertain significance. Last evaluated: 2024-05-23. Review status: criteria provided, single submitter. Criteria: Invitae Variant Classification Sherloc (09022015). Collection method: clinical testing. Allele origin: germline.
Comment: This sequence change replaces asparagine, which is neutral and polar, with histidine, which is basic and polar, at codon 353 of the DSG1 protein (p.Asn353His). This variant is not present in population databases (gnomAD no frequency). This missense change has been observed in individual(s) with plamoplantar keratoderma (Invitae). It has also been observed to segregate with disease in related individuals. ClinVar contains an entry for this variant (Variation ID: 1804285). Advanced modeling of protein sequence and biophysical properties (such as structural, functional, and spatial information, amino acid conservation, physicochemical variation, residue mobility, and thermodynamic stability) has been performed at Invitae for this missense variant, however the output from this modeling did not meet the statistical confidence thresholds required to predict the impact of this variant on DSG1 protein function. In summary, the available evidence is currently insufficient to determine the role of this variant in disease. Therefore, it has been classified as a Variant of Uncertain Significance.

GeneDx
Classification: Uncertain significance. Last evaluated: 2022-06-10. Review status: criteria provided, single submitter. Criteria: GeneDx Variant Classification Process June 2021. Collection method: clinical testing. Allele origin: germline. Affected: yes.
Comment: Has not been previously published as pathogenic or benign to our knowledge; Not observed at significant frequency in large population cohorts (gnomAD); In silico analysis supports that this missense variant has a deleterious effect on protein structure/function